The following is an entry in ClinVar:

NM_018076.5(ODAD2):c.1702G>A (p.Ala568Thr)

Gene: ODAD2 (outer dynein arm docking complex subunit 2; minus strand). Cytogenetic location: 10p12.1.
Variant type: single nucleotide variant.
Coding change: c.1702G>A on transcript NM_018076.5 (MANE Select); coding-DNA position 1702, G replaced by A.
Protein change: p.Ala568Thr; replaces alanine 568 with threonine.
Molecular consequence: missense variant.
Genome position (GRCh38, 1-based): chr10:27,944,263, C>T on the plus strand (G>A on the coding strand, the complement: ODAD2 is on the minus strand). VCF-style: chr10-27944263-C-T. GRCh37 (hg19) VCF-style: chr10-28233192-C-T.
Other names: c.277G>A, p.Ala93Thr (NM_001290021.2); c.778G>A, p.Ala260Thr (NM_001312689.2); c.1702G>A, p.Ala568Thr (NM_001290020.2); short protein forms A260T, A568T, A93T.
Identifiers: ClinVar variation 2153411 (VCV002153411.4), dbSNP rs1371005722, ClinGen allele CA376392926.
Genomic context (GRCh38, chr10:27,944,263, plus strand): 5'-CAACATCACGGCTACTCACCAGTTTGGTGATACCCCCGTGCTGCCTCACCACCCGCCGTG[C>T]TCTTTTAAACTTGGCAACATTCGCGATAGTCTCGGCTGCCAAACATTTTAGACTCTTGTG-3'
Protein context (NP_060546.2, residues 558-578): TIANVAKFKR[Ala568Thr]RRVVRQHGGI

ClinVar aggregate classification (germline): Uncertain significance (1 of 4 stars; one submission).

Conditions:
Primary ciliary dyskinesia 23 (CILD23). Also called: CILIARY DYSKINESIA, PRIMARY, 23, WITH OR WITHOUT SITUS INVERSUS. Identifiers: Orphanet 244, MedGen C3809548, MONDO:0014193, OMIM 615451.

Allele frequency attached by ClinVar (database versions not stated): TOPMed below 0.00001; gnomAD 0.00001; gnomAD exomes 0.00001.
gnomAD v4.1: 12 of 1,613,658 alleles (0.00074%); highest among the groups gnomAD compares: African/African-American, 0.0027%; no homozygotes.

Submission:

Labcorp Genetics (formerly Invitae), Labcorp
Classification: Uncertain significance for Primary ciliary dyskinesia 23. Last evaluated: 2022-08-18. Review status: criteria provided, single submitter. Criteria: Invitae Variant Classification Sherloc (09022015). Collection method: clinical testing. Allele origin: germline.
Comment: Algorithms developed to predict the effect of missense changes on protein structure and function are either unavailable or do not agree on the potential impact of this missense change (SIFT: "Deleterious"; PolyPhen-2: "Probably Damaging"; Align-GVGD: "Class C0"). This variant has not been reported in the literature in individuals affected with ARMC4-related conditions. This variant is present in population databases (no rsID available, gnomAD 0.007%). This sequence change replaces alanine, which is neutral and non-polar, with threonine, which is neutral and polar, at codon 568 of the ARMC4 protein (p.Ala568Thr). In summary, the available evidence is currently insufficient to determine the role of this variant in disease. Therefore, it has been classified as a Variant of Uncertain Significance.